The following is an entry in ClinVar:

ClinVar aggregate classification (germline): Likely benign (1 of 4 stars; one submission).

gnomAD v4.1: 30 of 1,614,068 alleles (0.0019%); highest among the groups gnomAD compares: Middle Eastern, 0.016%; no homozygotes.

Submission:

CeGaT Center for Human Genetics Tuebingen
Classification: Likely benign. Last evaluated: 2026-06-01. Review status: criteria provided, single submitter. Criteria: CeGaT Center For Human Genetics Tuebingen Variant Classification Criteria Version 2. Collection method: clinical testing. Allele origin: germline. Affected: yes. Observed: 1 variant allele.
Comment: ATP11A: BP4, BP7

NM_015205.3(ATP11A):c.1329C>T (p.Asn443=)

Gene: ATP11A (ATPase phospholipid transporting 11A; plus strand). Cytogenetic location: 13q34.
Variant type: single nucleotide variant.
Coding change: c.1329C>T on transcript NM_015205.3 (MANE Select); coding-DNA position 1329, C replaced by T.
Protein change: p.Asn443=; no amino-acid change (asparagine 443 retained).
Molecular consequence: synonymous variant.
Genome position (GRCh38, 1-based): chr13:112,831,482, C>T. VCF-style: chr13-112831482-C-T. GRCh37 (hg19) VCF-style: chr13-113485796-C-T.
Other names: c.1329C>T, p.Asn443= (NM_001405661.1, NM_001405662.1, NM_001405663.1 and 1 more transcripts).
Identifiers: ClinVar variation 4872659 (VCV004872659.2).
Genomic context (GRCh38, chr13:112,831,482, plus strand): 5'-CATGGAGTTCAAGGAGTGCTGCATCGAAGGCCATGTCTACGTGCCCCACGTCATCTGCAA[C>T]GGGCAGGTCCTCCCAGAGTCGTCAGGAATCGACATGATTGACTCGTCCCCCAGCGTCAAC-3'
Protein context (NP_056020.2, residues 433-453): GHVYVPHVIC[Asn443=]GQVLPESSGI